The following is an entry in ClinVar:

NM_017654.4(SAMD9):c.172G>A (p.Gly58Ser)

Gene: SAMD9 (sterile alpha motif domain containing 9; minus strand). Cytogenetic location: 7q21.2.
Variant type: single nucleotide variant.
Coding change: c.172G>A on transcript NM_017654.4 (MANE Select); coding-DNA position 172, G replaced by A.
Protein change: p.Gly58Ser; replaces glycine 58 with serine.
Molecular consequence: missense variant.
Genome position (GRCh38, 1-based): chr7:93,105,926, C>T on the plus strand (G>A on the coding strand, the complement: SAMD9 is on the minus strand). VCF-style: chr7-93105926-C-T. GRCh37 (hg19) VCF-style: chr7-92735239-C-T.
Other names: c.172G>A, p.Gly58Ser (NM_001193307.2); short protein forms G58S.
Identifiers: ClinVar variation 1337760 (VCV001337760.6), dbSNP rs1791634786, ClinGen allele CA368205816.

ClinVar aggregate classification (germline): Uncertain significance. Review status: criteria provided, multiple submitters, no conflicts (2 of 4 stars). 3 submissions from 3 submitters: Uncertain significance (3). Last evaluated 2024-11-24.

Conditions:
Inborn genetic diseases. Identifiers: MedGen C0950123, MeSH D030342.

Allele frequency attached by ClinVar (database versions not stated): gnomAD exomes below 0.00001.
gnomAD v4.1: 6 of 1,612,914 alleles (0.00037%); highest among the groups gnomAD compares: Non-Finnish European, 0.00051%; no homozygotes.

Submissions (3):

Ambry Genetics
Classification: Uncertain significance for Inborn genetic diseases. Last evaluated: 2024-11-24. Review status: criteria provided, single submitter. Criteria: Ambry Variant Classification Scheme 2023. Collection method: clinical testing. Allele origin: germline.
Comment: The p.G58S variant (also known as c.172G>A), located in coding exon 1 of the SAMD9 gene, results from a G to A substitution at nucleotide position 172. The glycine at codon 58 is replaced by serine, an amino acid with similar properties. This amino acid position is conserved. In addition, the in silico prediction for this alteration is inconclusive. Based on the available evidence, the clinical significance of this variant remains unclear.

Women's Health and Genetics/Laboratory Corporation of America, LabCorp
Classification: Uncertain significance. Last evaluated: 2024-04-04. Review status: criteria provided, single submitter. Criteria: LabCorp Variant Classification Summary - May 2015. Collection method: clinical testing. Allele origin: germline.
Comment: Variant summary: SAMD9 c.172G>A (p.Gly58Ser) results in a non-conservative amino acid change located in the Sterile alpha motif domain of the encoded protein sequence. Three of five in-silico tools predict a benign effect of the variant on protein function. The variant was absent in 250712 control chromosomes. The available data on variant occurrences in the general population are insufficient to allow any conclusion about variant significance. To our knowledge, no occurrence of c.172G>A in individuals affected with MIRAGE Syndrome and no experimental evidence demonstrating its impact on protein function have been reported. ClinVar contains an entry for this variant (Variation ID: 1337760). Based on the evidence outlined above, the variant was classified as uncertain significance.

Genetic Services Laboratory, University of Chicago
Classification: Uncertain significance. Last evaluated: 2020-10-01. Review status: criteria provided, single submitter. Criteria: ACMG Guidelines, 2015. Collection method: clinical testing. Allele origin: germline. Affected: no.
Comment: DNA sequence analysis of the SAMD9 gene demonstrated a sequence change, c.172G>A, in exon 3 that results in an amino acid change, p.Gly58Ser. This sequence change does not appear to have been previously described in patients with SAMD9-related disorders and has also not been described in population databases (gnomAD, ExAC). The p.Gly58Ser change affects a moderately conserved amino acid residue located in a domain of the SAMD9 protein that is known to be functional. In-silico pathogenicity prediction tools (SIFT, PolyPhen2, Align GVGD, REVEL) provide contradictory results for the p.Gly58Ser substitution. Due to these contrasting evidences and the lack of functional studies, the clinical significance of the p.Gly58Ser change remains unknown at this time.